The following is an entry in ClinVar:

NM_005263.5(GFI1):c.340C>A (p.Pro114Thr)

Gene: GFI1 (growth factor independent 1 transcriptional repressor; minus strand). Cytogenetic location: 1p22.1.
Variant type: single nucleotide variant.
Coding change: c.340C>A on transcript NM_005263.5 (MANE Select); coding-DNA position 340, C replaced by A.
Protein change: p.Pro114Thr; replaces proline 114 with threonine.
Molecular consequence: missense variant.
Genome position (GRCh38, 1-based): chr1:92,481,047, G>T on the plus strand (C>A on the coding strand, the complement: GFI1 is on the minus strand). VCF-style: chr1-92481047-G-T. GRCh37 (hg19) VCF-style: chr1-92946604-G-T.
Other names: c.340C>A, p.Pro114Thr (NM_001127215.3, NM_001127216.3); short protein forms P114T.
Identifiers: ClinVar variation 4858039 (VCV004858039.1).
Genomic context (GRCh38, chr1:92,481,047, plus strand): 5'-GCCGCAGGTCAGAACCCGCCAGGCCGCTCCATGAGTACGGTTTGAAAGGCAGGGGGAAGG[G>T]CTGGGCTTCGTCCAGCGATGGGCACATTGACTTCTCCGAGGCTGTGGAGGCACAAGGGGA-3'
Protein context (NP_005254.2, residues 104-124): SMCPSLDEAQ[Pro114Thr]FPLPFKPYSW

ClinVar aggregate classification (germline): Uncertain significance (1 of 4 stars; one submission).

gnomAD v4.1: 2 of 1,611,898 alleles (0.00012%); highest among the groups gnomAD compares: Non-Finnish European, 0.00017%; no homozygotes.

Submission:

Ambry Genetics
Classification: Uncertain significance. Last evaluated: 2026-04-18. Review status: criteria provided, single submitter. Criteria: Ambry Variant Classification Scheme 2023. Collection method: clinical testing. Allele origin: germline.
Comment: The p.P114T variant (also known as c.340C>A), located in coding exon 3 of the GFI1 gene, results from a C to A substitution at nucleotide position 340. The proline at codon 114 is replaced by threonine, an amino acid with highly similar properties. This amino acid position is conserved. In addition, this alteration is predicted to be tolerated by in silico analysis. Based on the available evidence, the clinical significance of this variant remains unclear.